The following is an entry in ClinVar:

ClinVar aggregate classification (germline): Pathogenic (1 of 4 stars; one submission).

Submission:

Labcorp Genetics (formerly Invitae), Labcorp
Classification: Pathogenic. Last evaluated: 2021-10-15. Review status: criteria provided, single submitter. Criteria: Invitae Variant Classification Sherloc (09022015). Collection method: clinical testing. Allele origin: germline.
Comment: This variant has not been reported in the literature in individuals affected with PRPF31-related conditions. For these reasons, this variant has been classified as Pathogenic. This sequence change creates a premature translational stop signal (p.Asn152Metfs*46) in the PRPF31 gene. It is expected to result in an absent or disrupted protein product. Loss-of-function variants in PRPF31 are known to be pathogenic (PMID: 18317597, 23950152). This variant is not present in population databases (ExAC no frequency).

Literature cited by the submitters: PubMed 18317597; PubMed 23950152.

NM_015629.4(PRPF31):c.455del (p.Asn152fs)

Gene: PRPF31 (pre-mRNA processing factor 31; plus strand). Cytogenetic location: 19q13.42.
Variant type: Deletion.
Coding change: c.455del on transcript NM_015629.4 (MANE Select); coding-DNA position 455, one base deleted (A; older notation c.455delA).
Protein change: p.Asn152fs; shifts the reading frame from asparagine 152.
Molecular consequence: frameshift variant.
Genome position (GRCh38, 1-based): chr19:54,123,488, A deleted; the last of 2 consecutive A bases (chr19:54,123,487-54,123,488); deleting either gives the same sequence. VCF-style (leftmost placement, unchanged base first): chr19-54123486-CA-C. GRCh37 (hg19) VCF-style: chr19-54626865-CA-C.
Other names: short protein forms N152fs.
Identifiers: ClinVar variation 1410545 (VCV001410545.6), dbSNP rs2146418714, ClinGen allele CA2573156804.
Genomic context (GRCh38, chr19:54,123,486, plus strand): 5'-CTCCCCTATCTTCTCTGCTCGCCCCCAGGAGCTGGGCAACAGCCTGGACAAGTGCAAGAA[CA>C]ATGAGAACCTGCAGCAGATCCTCACCAATGCCACCATCATGGTCGTCAGCGTCACCGCCT-3'